The following is an entry in ClinVar:

NM_004612.4(TGFBR1):c.944A>G (p.His315Arg)

Gene: TGFBR1 (transforming growth factor beta receptor 1; plus strand). Cytogenetic location: 9q22.33.
Variant type: single nucleotide variant.
Coding change: c.944A>G on transcript NM_004612.4 (MANE Select); coding-DNA position 944, A replaced by G.
Protein change: p.His315Arg; replaces histidine 315 with arginine.
Molecular consequence: missense variant.
Genome position (GRCh38, 1-based): chr9:99,142,674, A>G. VCF-style: chr9-99142674-A-G. GRCh37 (hg19) VCF-style: chr9-101904956-A-G.
Other names: c.713A>G, p.His238Arg (NM_001130916.3); c.956A>G, p.His319Arg (NM_001306210.2); short protein forms H315R, H238R, H319R.
Identifiers: ClinVar variation 408569 (VCV000408569.12), dbSNP rs1060502045, ClinGen allele CA16612814.

ClinVar aggregate classification (germline): Pathogenic/Likely pathogenic. Review status: criteria provided, multiple submitters, no conflicts (2 of 4 stars). 3 submissions from 3 submitters: Pathogenic (1); Likely pathogenic (2). Last evaluated 2025-06-27.

Conditions:
Familial thoracic aortic aneurysm and aortic dissection (TAAD). Also called: Thoracic aortic aneurysms and dissections. Identifiers: Orphanet 91387, MedGen C4707243, MONDO:0019625.

Submissions (3):

Ambry Genetics
Classification: Likely pathogenic for Familial thoracic aortic aneurysm and aortic dissection. Last evaluated: 2025-06-27. Review status: criteria provided, single submitter. Criteria: Ambry Variant Classification Scheme 2023. Collection method: clinical testing. Allele origin: germline.
Comment: The p.H315R variant (also known as c.944A>G), located in coding exon 5 of the TGFBR1 gene, results from an A to G substitution at nucleotide position 944. The histidine at codon 315 is replaced by arginine, an amino acid with highly similar properties. This variant was identified in one or more individuals with features consistent with TGFBR1-related Loeys-Dietz syndrome and segregated with disease in at least one family (Tran-Fadulu V et al. J Med Genet, 2009 Sep;46:607-13; external communication). This amino acid position is highly conserved in available vertebrate species. In addition, this alteration is predicted to be deleterious by in silico analysis. This variant is considered to be rare based on population cohorts in the Genome Aggregation Database (gnomAD). Based on the majority of available evidence to date, this variant is likely to be pathogenic.

GeneDx
Classification: Likely pathogenic. Last evaluated: 2025-04-29. Review status: criteria provided, single submitter. Criteria: GeneDx Variant Classification Process June 2021. Collection method: clinical testing. Allele origin: germline. Affected: yes.
Comment: Not observed at significant frequency in large population cohorts (gnomAD); In silico analysis supports that this missense variant has a deleterious effect on protein structure/function; This variant is associated with the following publications: (PMID: 19542084)

Labcorp Genetics (formerly Invitae), Labcorp
Classification: Pathogenic for Familial thoracic aortic aneurysm and aortic dissection. Last evaluated: 2025-02-18. Review status: criteria provided, single submitter. Criteria: Invitae Variant Classification Sherloc (09022015). Collection method: clinical testing. Allele origin: germline.
Comment: This sequence change replaces histidine, which is basic and polar, with arginine, which is basic and polar, at codon 315 of the TGFBR1 protein (p.His315Arg). This variant is not present in population databases (gnomAD no frequency). This missense change has been observed in individuals with thoracic aortic aneurysms and dissection (PMID: 19542084; internal data). It has also been observed to segregate with disease in related individuals. ClinVar contains an entry for this variant (Variation ID: 408569). Invitae Evidence Modeling of protein sequence and biophysical properties (such as structural, functional, and spatial information, amino acid conservation, physicochemical variation, residue mobility, and thermodynamic stability) indicates that this missense variant is expected to disrupt TGFBR1 protein function with a positive predictive value of 80%. For these reasons, this variant has been classified as Pathogenic.

Literature cited by the submitters: PubMed 19542084 (cited by Ambry Genetics and Labcorp Genetics (formerly Invitae), Labcorp).